The following is an entry in ClinVar:

NM_181672.3(OGT):c.3013C>T (p.Pro1005Ser)

Gene: OGT (O-linked N-acetylglucosamine (GlcNAc) transferase; plus strand). Cytogenetic location: Xq13.1.
Variant type: single nucleotide variant.
Coding change: c.3013C>T on transcript NM_181672.3 (MANE Select); coding-DNA position 3013, C replaced by T.
Protein change: p.Pro1005Ser; replaces proline 1005 with serine.
Molecular consequence: missense variant.
Genome position (GRCh38, 1-based): chrX:71,573,666, C>T. VCF-style: chrX-71573666-C-T. GRCh37 (hg19) VCF-style: chrX-70793516-C-T.
Other names: c.2983C>T, p.Pro995Ser (NM_181673.3); short protein forms P1005S, P995S.
Identifiers: ClinVar variation 3343217 (VCV003343217.1).

ClinVar aggregate classification (germline): Uncertain significance (1 of 4 stars; one submission).

Submission:

GeneDx
Classification: Uncertain significance. Last evaluated: 2023-06-19. Review status: criteria provided, single submitter. Criteria: GeneDx Variant Classification Process June 2021. Collection method: clinical testing. Allele origin: germline. Affected: yes.
Comment: Not observed at significant frequency in large population cohorts (gnomAD); In silico analysis supports that this missense variant has a deleterious effect on protein structure/function; Has not been previously published as pathogenic or benign to our knowledge